The following is an entry in ClinVar:

ClinVar aggregate classification (germline): Uncertain significance (1 of 4 stars; one submission).

Conditions:
Hyperkalemic periodic paralysis. Also called: Familial hyperkalemic periodic paralysis; Gamstorp disease. Identifiers: Orphanet 682, MedGen C0238357, MONDO:0008224, OMIM 170500, HP:0007215.

Allele frequency attached by ClinVar (database versions not stated): TOPMed below 0.00001; gnomAD exomes 0.00001; ExAC 0.00002; gnomAD 0.00002.
gnomAD v4.1: 12 of 1,613,700 alleles (0.00074%); highest among the groups gnomAD compares: East Asian, 0.0067%; no homozygotes.

Submission:

Labcorp Genetics (formerly Invitae), Labcorp
Classification: Uncertain significance for Hyperkalemic periodic paralysis. Last evaluated: 2023-07-17. Review status: criteria provided, single submitter. Criteria: Invitae Variant Classification Sherloc (09022015). Collection method: clinical testing. Allele origin: germline.
Comment: In summary, the available evidence is currently insufficient to determine the role of this variant in disease. Therefore, it has been classified as a Variant of Uncertain Significance. Advanced modeling of protein sequence and biophysical properties (such as structural, functional, and spatial information, amino acid conservation, physicochemical variation, residue mobility, and thermodynamic stability) performed at Invitae indicates that this missense variant is not expected to disrupt SCN4A protein function. ClinVar contains an entry for this variant (Variation ID: 1911420). This variant has not been reported in the literature in individuals affected with SCN4A-related conditions. This variant is present in population databases (rs761135349, gnomAD 0.005%). This sequence change replaces glutamic acid, which is acidic and polar, with lysine, which is basic and polar, at codon 1210 of the SCN4A protein (p.Glu1210Lys).

NM_000334.4(SCN4A):c.3628G>A (p.Glu1210Lys)

Genes: GH-LCR (growth hormone locus control region; plus strand), SCN4A (sodium voltage-gated channel alpha subunit 4; minus strand). Cytogenetic location: 17q23.3.
Variant type: single nucleotide variant.
Coding change: c.3628G>A on transcript NM_000334.4 (MANE Select); coding-DNA position 3628, G replaced by A.
Protein change: p.Glu1210Lys; replaces glutamic acid 1210 with lysine.
Molecular consequence: missense variant.
Genome position (GRCh38, 1-based): chr17:63,945,452, C>T on the plus strand (G>A on the coding strand, the complement: SCN4A is on the minus strand). VCF-style: chr17-63945452-C-T. GRCh37 (hg19) VCF-style: chr17-62022812-C-T.
Other names: short protein forms E1210K.
Identifiers: ClinVar variation 1911420 (VCV001911420.5), dbSNP rs761135349, ClinGen allele CA8709220.
Genomic context (GRCh38, chr17:63,945,452, plus strand): 5'-CGTTGTCGTAGTTGACCTTGACATTGAGCCAGCGGACCTGGCCTGTGTGCATGAGGCTCT[C>T]GCACTCAGACTTGTTGTTGACCTCGGAGATGTCGAACCTCTCAGAGGTGGTGGTGTTGAT-3'
Protein context (NP_000325.4, residues 1200-1220): ISEVNNKSEC[Glu1210Lys]SLMHTGQVRW